The following is an entry in ClinVar:

NM_017433.5(MYO3A):c.2180dup (p.Asn727fs)

Gene: MYO3A (myosin IIIA; plus strand). Cytogenetic location: 10p12.1.
Variant type: Duplication.
Coding change: c.2180dup on transcript NM_017433.5 (MANE Select); coding-DNA position 2180, one base duplicated (A; older notation c.2180dupA).
Protein change: p.Asn727fs; shifts the reading frame from asparagine 727.
Molecular consequence: frameshift variant.
Genome position (GRCh38, 1-based): chr10:26,128,456, A duplicated; the last of 8 consecutive A bases (chr10:26,128,449-26,128,456); duplicating any one gives the same sequence. VCF-style (leftmost placement, unchanged base first): chr10-26128448-C-CA. GRCh37 (hg19) VCF-style: chr10-26417377-C-CA.
Other names: short protein forms N727fs.
Identifiers: ClinVar variation 618240 (VCV000618240.8), dbSNP rs769462859, ClinGen allele CA592367329.

ClinVar aggregate classification (germline): Pathogenic. Review status: criteria provided, multiple submitters, no conflicts (2 of 4 stars). 2 submissions from 2 submitters: Pathogenic (2). Last evaluated 2025-02-16.

Submissions (2):

Labcorp Genetics (formerly Invitae), Labcorp
Classification: Pathogenic. Last evaluated: 2025-02-16. Review status: criteria provided, single submitter. Criteria: Invitae Variant Classification Sherloc (09022015). Collection method: clinical testing. Allele origin: germline.
Comment: This sequence change creates a premature translational stop signal (p.Asn727Lysfs*9) in the MYO3A gene. It is expected to result in an absent or disrupted protein product. Loss-of-function variants in MYO3A are known to be pathogenic (PMID: 12032315, 23990876). The frequency data for this variant in the population databases is considered unreliable, as metrics indicate poor data quality at this position in the gnomAD database. This variant has not been reported in the literature in individuals affected with MYO3A-related conditions. ClinVar contains an entry for this variant (Variation ID: 618240). For these reasons, this variant has been classified as Pathogenic.

GeneDx
Classification: Pathogenic. Last evaluated: 2023-10-09. Review status: criteria provided, single submitter. Criteria: GeneDx Variant Classification Process June 2021. Collection method: clinical testing. Allele origin: germline.
Comment: Frameshift variant predicted to result in protein truncation or nonsense mediated decay in a gene for which loss-of-function is a known mechanism of disease; Not observed at significant frequency in large population cohorts (gnomAD); Has not been previously published as pathogenic or benign to our knowledge

Literature cited by the submitters: PubMed 12032315 (cited by Labcorp Genetics (formerly Invitae), Labcorp); PubMed 23990876 (cited by Labcorp Genetics (formerly Invitae), Labcorp).